The following is an entry in ClinVar:

ClinVar aggregate classification (germline): Likely benign. Review status: criteria provided, multiple submitters, no conflicts (2 of 4 stars). 2 submissions from 2 submitters: Likely benign (2). Last evaluated 2026-01-28.

Allele frequency attached by ClinVar (database versions not stated): gnomAD exomes 0.00001; ExAC 0.00001; gnomAD 0.00001.
gnomAD v4.1: 9 of 1,613,716 alleles (0.00056%); highest among the groups gnomAD compares: South Asian, 0.0077%; no homozygotes.

Submissions (2):

Women's Health and Genetics/Laboratory Corporation of America, LabCorp
Classification: Likely benign. Last evaluated: 2026-01-28. Review status: criteria provided, single submitter. Criteria: LabCorp Variant Classification Summary - May 2015. Collection method: clinical testing. Allele origin: germline.
Comment: Variant summary: PCLO c.6357G>A alters a conserved nucleotide resulting in a synonymous change. Consensus agreement among computation tools predict no significant impact on normal splicing. However, these predictions have yet to be confirmed by functional studies. The variant allele was found at a frequency of 1.2e-05 in 248618 control chromosomes. The available data on variant occurrences in the general population are insufficient to allow any conclusion about variant significance. To our knowledge, no occurrence of c.6357G>A in individuals affected with PCLO-related conditions and no experimental evidence demonstrating its impact on protein function have been reported. ClinVar contains an entry for this variant (Variation ID: 1592280). Based on the evidence outlined above, the variant was classified as likely benign.

Labcorp Genetics (formerly Invitae), Labcorp
Classification: Likely benign. Last evaluated: 2023-02-04. Review status: criteria provided, single submitter. Criteria: Invitae Variant Classification Sherloc (09022015). Collection method: clinical testing. Allele origin: germline.

NM_033026.6(PCLO):c.6357G>A (p.Ser2119=)

Gene: PCLO (piccolo presynaptic cytomatrix protein; minus strand). Cytogenetic location: 7q21.11.
Variant type: single nucleotide variant.
Coding change: c.6357G>A on transcript NM_033026.6 (MANE Select); coding-DNA position 6357, G replaced by A.
Protein change: p.Ser2119=; no amino-acid change (serine 2119 retained).
Molecular consequence: synonymous variant.
Genome position (GRCh38, 1-based): chr7:82,954,596, C>T on the plus strand (G>A on the coding strand, the complement: PCLO is on the minus strand). VCF-style: chr7-82954596-C-T. GRCh37 (hg19) VCF-style: chr7-82583912-C-T.
Other names: c.6357G>A, p.Ser2119= (NM_014510.3).
Identifiers: ClinVar variation 1592280 (VCV001592280.9), dbSNP rs751959895, ClinGen allele CA4320487.